The following is an entry in ClinVar:

NM_000548.5(TSC2):c.4061G>T (p.Gly1354Val)

Gene: TSC2 (TSC complex subunit 2; plus strand). Cytogenetic location: 16p13.3.
Variant type: single nucleotide variant.
Coding change: c.4061G>T on transcript NM_000548.5 (MANE Select); coding-DNA position 4061, G replaced by T.
Protein change: p.Gly1354Val; replaces glycine 1354 with valine.
Molecular consequence: missense variant. On other transcripts: non-coding transcript variant (5).
Genome position (GRCh38, 1-based): chr16:2,084,283, G>T. VCF-style: chr16-2084283-G-T. GRCh37 (hg19) VCF-style: chr16-2134284-G-T.
Other names: c.2648G>T, p.Gly883Val (NM_001406689.1); c.2588G>T, p.Gly863Val (NM_001406690.1); c.2585G>T, p.Gly862Val (NM_001406691.1); c.2519G>T, p.Gly840Val (NM_001406692.1, NM_001406693.1, NM_001406694.1); c.3929G>T, p.Gly1310Val (NM_001370404.1); c.3932G>T, p.Gly1311Val (NM_001370405.1, NM_021055.3); c.4058G>T, p.Gly1353Val (NM_001406663.1); c.3989G>T, p.Gly1330Val (NM_001406664.1); and 26 more; short protein forms G1088V, G1110V, G1239V, G1250V, G1281V, G1282V, G1298V, G1311V.
Identifiers: ClinVar variation 3637230 (VCV003637230.2).
Genomic context (GRCh38, chr16:2,084,283, plus strand): 5'-TCTAGTCGTCCTCAGTCTCCAGCCAGGAGGAGAAGTCGCTCCACGCGGAGGAGCTGGTTG[G>T]CAGGGGCATCCCCATCGAGCGAGTCGTCTCCTCGGAGGGTGGCCGGCCCTCTGTGGACCT-3'
Protein context (NP_000539.2, residues 1344-1364): EKSLHAEELV[Gly1354Val]RGIPIERVVS

ClinVar aggregate classification (germline): Uncertain significance (1 of 4 stars; one submission).

Conditions:
Tuberous sclerosis 2 (TSC2). Identifiers: Orphanet 805, MedGen C1860707, MONDO:0013199, OMIM 613254.

Submission:

Labcorp Genetics (formerly Invitae), Labcorp
Classification: Uncertain significance for Tuberous sclerosis 2. Last evaluated: 2024-11-24. Review status: criteria provided, single submitter. Criteria: Invitae Variant Classification Sherloc (09022015). Collection method: clinical testing. Allele origin: germline.
Comment: This sequence change replaces glycine, which is neutral and non-polar, with valine, which is neutral and non-polar, at codon 1354 of the TSC2 protein (p.Gly1354Val). This variant is not present in population databases (gnomAD no frequency). This variant has not been reported in the literature in individuals affected with TSC2-related conditions. Invitae Evidence Modeling of protein sequence and biophysical properties (such as structural, functional, and spatial information, amino acid conservation, physicochemical variation, residue mobility, and thermodynamic stability) indicates that this missense variant is not expected to disrupt TSC2 protein function with a negative predictive value of 95%. In summary, the available evidence is currently insufficient to determine the role of this variant in disease. Therefore, it has been classified as a Variant of Uncertain Significance.